The following is an entry in ClinVar:

ClinVar aggregate classification (germline): Uncertain significance (1 of 4 stars; one submission).

Conditions:
Cardiovascular phenotype. Identifiers: MedGen CN230736.

Submission:

Ambry Genetics
Classification: Uncertain significance for Cardiovascular phenotype. Last evaluated: 2022-11-17. Review status: criteria provided, single submitter. Criteria: Ambry Variant Classification Scheme 2023. Collection method: clinical testing. Allele origin: germline.
Comment: The p.T519R variant (also known as c.1556C>G), located in coding exon 10 of the FLNC gene, results from a C to G substitution at nucleotide position 1556. The threonine at codon 519 is replaced by arginine, an amino acid with similar properties. This amino acid position is conserved. In addition, this alteration is predicted to be tolerated by in silico analysis. Since supporting evidence is limited at this time, the clinical significance of this alteration remains unclear.

NM_001458.5(FLNC):c.1556C>G (p.Thr519Arg)

Gene: FLNC (filamin C; plus strand). Cytogenetic location: 7q32.1.
Variant type: single nucleotide variant.
Coding change: c.1556C>G on transcript NM_001458.5 (MANE Select); coding-DNA position 1556, C replaced by G.
Protein change: p.Thr519Arg; replaces threonine 519 with arginine.
Molecular consequence: missense variant.
Genome position (GRCh38, 1-based): chr7:128,840,554, C>G. VCF-style: chr7-128840554-C-G. GRCh37 (hg19) VCF-style: chr7-128480608-C-G.
Other names: c.1556C>G, p.Thr519Arg (NM_001127487.2); short protein forms T519R.
Identifiers: ClinVar variation 2450882 (VCV002450882.2), dbSNP rs1585155609, ClinGen allele CA369226428.